The following is an entry in ClinVar:

NM_000070.3(CAPN3):c.1314G>C (p.Trp438Cys)

Gene: CAPN3 (calpain 3; plus strand). Cytogenetic location: 15q15.1.
Variant type: single nucleotide variant.
Coding change: c.1314G>C on transcript NM_000070.3 (MANE Select); coding-DNA position 1314, G replaced by C.
Protein change: p.Trp438Cys; replaces tryptophan 438 with cysteine.
Molecular consequence: missense variant.
Genome position (GRCh38, 1-based): chr15:42,399,612, G>C. VCF-style: chr15-42399612-G-C. GRCh37 (hg19) VCF-style: chr15-42691810-G-C.
Other names: c.1314G>C, p.Trp438Cys (NM_024344.2); c.1170G>C, p.Trp390Cys (NM_173087.2); short protein forms W390C, W438C.
Identifiers: ClinVar variation 1046056 (VCV001046056.11), dbSNP rs2053807675, ClinGen allele CA391999571.
Genomic context (GRCh38, chr15:42,399,612, plus strand): 5'-CGATGCTCTGCAGTCTGACAAGCTTCAGACCTGGACAGTGTCTGTGAACGAGGGCCGCTG[G>C]GTACGGGGTTGCTCTGCCGGAGGCTGCCGCAACTTCCCAGGTGGGAGATGCTCTTGATGG-3'
Protein context (NP_000061.1, residues 428-448): TWTVSVNEGR[Trp438Cys]VRGCSAGGCR

ClinVar aggregate classification (germline): Uncertain significance (1 of 4 stars; one submission).

Conditions:
Autosomal recessive limb-girdle muscular dystrophy type 2A (LGMDR1). Also called: Limb-girdle muscular dystrophy, type 2A; Calpainopathy; Muscular dystrophy, limb-girdle, type 2A, Amish; LEYDEN-MOEBIUS MUSCULAR DYSTROPHY; MUSCULAR DYSTROPHY, PELVOFEMORAL. Identifiers: Orphanet 267, MedGen C1869123, MONDO:0009675, OMIM 253600. Disease mechanism: loss of function.

Submission:

Labcorp Genetics (formerly Invitae), Labcorp
Classification: Uncertain significance for Autosomal recessive limb-girdle muscular dystrophy type 2A. Last evaluated: 2024-11-10. Review status: criteria provided, single submitter. Criteria: Invitae Variant Classification Sherloc (09022015). Collection method: clinical testing. Allele origin: germline.
Comment: This sequence change replaces tryptophan, which is neutral and slightly polar, with cysteine, which is neutral and slightly polar, at codon 438 of the CAPN3 protein (p.Trp438Cys). This variant is not present in population databases (gnomAD no frequency). This missense change has been observed in individual(s) with limb-girdle muscular dystrophies (PMID: 31268554). ClinVar contains an entry for this variant (Variation ID: 1046056). Invitae Evidence Modeling of protein sequence and biophysical properties (such as structural, functional, and spatial information, amino acid conservation, physicochemical variation, residue mobility, and thermodynamic stability) indicates that this missense variant is expected to disrupt CAPN3 protein function with a positive predictive value of 80%. In summary, the available evidence is currently insufficient to determine the role of this variant in disease. Therefore, it has been classified as a Variant of Uncertain Significance.

Literature cited by the submitters: PubMed 31268554.